The following is an entry in ClinVar:

ClinVar aggregate classification (germline): Pathogenic (1 of 4 stars; one submission).

Conditions:
Spondyloepimetaphyseal dysplasia, PAPSS2 type. Also called: BRACHYOLMIA TYPE 4 WITH MILD EPIPHYSEAL AND METAPHYSEAL CHANGES; SPONDYLODYSPLASIA AND PREMATURE PUBARCHE; SEMD, PAKISTANI TYPE. Identifiers: Orphanet 93282, MedGen C2748516, MONDO:0019666, OMIM 612847.

Submission:

3billion
Classification: Pathogenic for Spondyloepimetaphyseal dysplasia, PAPSS2 type. Last evaluated: 2024-07-30. Review status: criteria provided, single submitter. Criteria: ACMG Guidelines, 2015. Collection method: clinical testing. Allele origin: germline. Affected: yes.
Comment: The variant is not observed in the gnomAD v4.0.0 dataset. Predicted Consequence/Location: Frameshift: predicted to result in a loss or disruption of normal protein function through nonsense-mediated decay (NMD) or protein truncation. Multiple pathogenic variants are reported downstream of the variant. Therefore, this variant is classified as Pathogenic according to the recommendation of ACMG/AMP guideline.

NM_001015880.2(PAPSS2):c.316del (p.Val106fs)

Gene: PAPSS2 (3'-phosphoadenosine 5'-phosphosulfate synthase 2; plus strand). Cytogenetic location: 10q23.31.
Variant type: Deletion.
Coding change: c.316del on transcript NM_001015880.2 (MANE Select); coding-DNA position 316, one base deleted (G; older notation c.316delG).
Protein change: p.Val106fs; shifts the reading frame from valine 106.
Molecular consequence: frameshift variant.
Genome position (GRCh38, 1-based): chr10:87,713,245, G deleted; the last of 2 consecutive G bases (chr10:87,713,244-87,713,245); deleting either gives the same sequence. VCF-style (leftmost placement, unchanged base first): chr10-87713243-AG-A. GRCh37 (hg19) VCF-style: chr10-89473000-AG-A.
Other names: c.316del, p.Val106fs (NM_004670.4); short protein forms V106fs.
Identifiers: ClinVar variation 4292898 (VCV004292898.1).